The following is an entry in ClinVar:

NM_021975.4(RELA):c.900G>A (p.Glu300=)

Gene: RELA (RELA proto-oncogene, NF-kB subunit; minus strand). Cytogenetic location: 11q13.1.
Variant type: single nucleotide variant.
Coding change: c.900G>A on transcript NM_021975.4 (MANE Select); coding-DNA position 900, G replaced by A.
Protein change: p.Glu300=; no amino-acid change (glutamic acid 300 retained).
Molecular consequence: synonymous variant.
Genome position (GRCh38, 1-based): chr11:65,655,913, C>T on the plus strand (G>A on the coding strand, the complement: RELA is on the minus strand). VCF-style: chr11-65655913-C-T. GRCh37 (hg19) VCF-style: chr11-65423384-C-T.
Other names: c.891G>A, p.Glu297= (NM_001145138.2); c.900G>A, p.Glu300= (NM_001243984.2, NM_001243985.2).
Identifiers: ClinVar variation 1529105 (VCV001529105.24), dbSNP rs141730634, ClinGen allele CA6106750.

ClinVar aggregate classification (germline): Likely benign. Review status: criteria provided, multiple submitters, no conflicts (2 of 4 stars). 2 submissions from 2 submitters: Likely benign (2). Last evaluated 2026-01-17.

Allele frequency attached by ClinVar (database versions not stated): TOPMed 0.00009; ExAC 0.00010; gnomAD 0.00010; gnomAD exomes 0.00010; 1000 Genomes Project 0.00020; ESP Exome Variant Server 0.00023; 1000 Genomes Project 30x 0.00031.
gnomAD v4.1: 263 of 1,614,124 alleles (0.016%); highest among the groups gnomAD compares: South Asian, 0.035%; no homozygotes.

Submissions (2):

Labcorp Genetics (formerly Invitae), Labcorp
Classification: Likely benign. Last evaluated: 2026-01-17. Review status: criteria provided, single submitter. Criteria: Invitae Variant Classification Sherloc (09022015). Collection method: clinical testing. Allele origin: germline.

CeGaT Center for Human Genetics Tuebingen
Classification: Likely benign. Last evaluated: 2024-08-01. Review status: criteria provided, single submitter. Criteria: CeGaT Center For Human Genetics Tuebingen Variant Classification Criteria Version 2. Collection method: clinical testing. Allele origin: germline. Affected: yes. Observed: 1 variant allele.
Comment: RELA: BP4, BP7